The following is an entry in ClinVar:

ClinVar aggregate classification (germline): Benign/Likely benign. Review status: criteria provided, multiple submitters, no conflicts (2 of 4 stars). 3 submissions from 3 submitters: Benign (1); Likely benign (1). 1 of the submissions does not count toward it. Last evaluated 2026-02-01.

Conditions:
SIRT1-related disorder. Also called: SIRT1-related condition.

Allele frequency attached by ClinVar (database versions not stated): 1000 Genomes Project 0.00160; 1000 Genomes Project 30x 0.00265; ESP Exome Variant Server 0.00269; gnomAD exomes 0.00372 and 0.00613; gnomAD 0.00443 and 0.00487; TOPMed 0.00519; ExAC 0.00774.
gnomAD v4.1: 8,558 of 1,432,942 alleles (0.6%); highest among the groups gnomAD compares: Non-Finnish European, 0.7%; 45 homozygotes.

Submissions (3):

CeGaT Center for Human Genetics Tuebingen
Classification: Likely benign. Last evaluated: 2026-02-01. Review status: criteria provided, single submitter. Criteria: CeGaT Center For Human Genetics Tuebingen Variant Classification Criteria Version 2. Collection method: clinical testing. Allele origin: germline. Affected: yes. Observed: 1 variant allele.
Comment: SIRT1: BS2

Labcorp Genetics (formerly Invitae), Labcorp
Classification: Benign. Last evaluated: 2026-01-19. Review status: criteria provided, single submitter. Criteria: Invitae Variant Classification Sherloc (09022015). Collection method: clinical testing. Allele origin: germline.

PreventionGenetics, part of Exact Sciences
Classification: Likely benign for SIRT1-related condition. Last evaluated: 2019-09-19. Review status: no assertion criteria provided. Collection method: clinical testing. Allele origin: germline. Not counted in ClinVar's aggregate classification.
Comment: This variant is classified as likely benign based on ACMG/AMP sequence variant interpretation guidelines (Richards et al. 2015 PMID: 25741868, with internal and published modifications).

NM_012238.5(SIRT1):c.341C>A (p.Pro114Gln)

Gene: SIRT1 (sirtuin 1; plus strand). Cytogenetic location: 10q21.3.
Variant type: single nucleotide variant.
Coding change: c.341C>A on transcript NM_012238.5 (MANE Select); coding-DNA position 341, C replaced by A.
Protein change: p.Pro114Gln; replaces proline 114 with glutamine.
Molecular consequence: missense variant.
Genome position (GRCh38, 1-based): chr10:67,885,062, C>A. VCF-style: chr10-67885062-C-A. GRCh37 (hg19) VCF-style: chr10-69644820-C-A.
Other names: c.341C>A (NM_012238.4); short protein forms P114Q.
Identifiers: ClinVar variation 1657042 (VCV001657042.14), dbSNP rs182199697, ClinGen allele CA5520982.